The following is an entry in ClinVar:

NM_006662.3(SRCAP):c.9583C>T (p.Arg3195Trp)

Gene: SRCAP (Snf2 related CREBBP activator protein; plus strand). Cytogenetic location: 16p11.2.
Variant type: single nucleotide variant.
Coding change: c.9583C>T on transcript NM_006662.3 (MANE Select); coding-DNA position 9583, C replaced by T.
Protein change: p.Arg3195Trp; replaces arginine 3195 with tryptophan.
Molecular consequence: missense variant.
Genome position (GRCh38, 1-based): chr16:30,739,623, C>T. VCF-style: chr16-30739623-C-T. GRCh37 (hg19) VCF-style: chr16-30750944-C-T.
Other names: short protein forms R3195W.
Identifiers: ClinVar variation 1919478 (VCV001919478.5), dbSNP rs774274306, ClinGen allele CA8012958.

ClinVar aggregate classification (germline): Uncertain significance (1 of 4 stars; one submission).

Allele frequency attached by ClinVar (database versions not stated): ExAC 0.00002.
gnomAD v4.1: 7 of 1,591,116 alleles (0.00044%); highest among the groups gnomAD compares: East Asian, 0.0023%; no homozygotes.

Submission:

Labcorp Genetics (formerly Invitae), Labcorp
Classification: Uncertain significance. Last evaluated: 2025-09-15. Review status: criteria provided, single submitter. Criteria: Invitae Variant Classification Sherloc (09022015). Collection method: clinical testing. Allele origin: germline.
Comment: This sequence change replaces arginine, which is basic and polar, with tryptophan, which is neutral and slightly polar, at codon 3195 of the SRCAP protein (p.Arg3195Trp). The frequency data for this variant in the population databases is considered unreliable, as metrics indicate poor data quality at this position in the gnomAD database. This variant has not been reported in the literature in individuals affected with SRCAP-related conditions. ClinVar contains an entry for this variant (Variation ID: 1919478). Invitae Evidence Modeling of protein sequence and biophysical properties (such as structural, functional, and spatial information, amino acid conservation, physicochemical variation, residue mobility, and thermodynamic stability) indicates that this missense variant is not expected to disrupt SRCAP protein function with a negative predictive value of 80%. In summary, the available evidence is currently insufficient to determine the role of this variant in disease. Therefore, it has been classified as a Variant of Uncertain Significance.